The following is an entry in ClinVar:

NM_004667.6(HERC2):c.1627G>A (p.Ala543Thr)

Gene: HERC2 (HECT and RLD domain containing E3 ubiquitin protein ligase 2; minus strand). Cytogenetic location: 15q13.1.
Variant type: single nucleotide variant.
Coding change: c.1627G>A on transcript NM_004667.6 (MANE Select); coding-DNA position 1627, G replaced by A.
Protein change: p.Ala543Thr; replaces alanine 543 with threonine.
Molecular consequence: missense variant.
Genome position (GRCh38, 1-based): chr15:28,265,946, C>T on the plus strand (G>A on the coding strand, the complement: HERC2 is on the minus strand). VCF-style: chr15-28265946-C-T. GRCh37 (hg19) VCF-style: chr15-28511092-C-T.
Other names: c.1627G>A (NM_004667.4); short protein forms A543T.
Identifiers: ClinVar variation 2432435 (VCV002432435.27), dbSNP rs139846899, ClinGen allele CA7443394.
Genomic context (GRCh38, chr15:28,265,946, plus strand): 5'-TGTAAGTGCTCCCGCAAGCGATGTGCACCACGTGCTTCCCGGCCTGCTTTCCAGAGAAGG[C>T]GGAGATCACCTTAGGCTCCTCCAAAGGCCTTGGGGAGAAAGGGAACAAACATGAATGCCC-3'
Protein context (NP_004658.3, residues 533-553): VPLEEPKVIS[Ala543Thr]FSGKQAGKHV

ClinVar aggregate classification (germline): Uncertain significance. Review status: criteria provided, multiple submitters, no conflicts (2 of 4 stars). 4 submissions from 4 submitters: Uncertain significance (4). Last evaluated 2026-07-10.

Conditions:
Inborn genetic diseases. Identifiers: MedGen C0950123, MeSH D030342.

Allele frequency attached by ClinVar (database versions not stated): TOPMed 0.00001; ExAC 0.00002; gnomAD exomes 0.00010; ESP Exome Variant Server 0.00023.
gnomAD v4.1: 140 of 1,614,124 alleles (0.0087%); highest among the groups gnomAD compares: Non-Finnish European, 0.012%; no homozygotes.

Submissions (4):

GeneDx
Classification: Uncertain significance. Last evaluated: 2026-07-10. Review status: criteria provided, single submitter. Criteria: GeneDx Variant Classification Process June 2021. Collection method: clinical testing. Allele origin: germline.
Comment: In silico analysis supports that this missense variant does not alter protein structure/function; Has not been previously published as pathogenic or benign to our knowledge

CeGaT Center for Human Genetics Tuebingen
Classification: Uncertain significance. Last evaluated: 2024-02-01. Review status: criteria provided, single submitter. Criteria: CeGaT Center For Human Genetics Tuebingen Variant Classification Criteria Version 2. Collection method: clinical testing. Allele origin: germline. Affected: yes. Observed: 1 variant allele.
Comment: HERC2: PM2

Ambry Genetics
Classification: Uncertain significance for Inborn genetic diseases. Last evaluated: 2024-01-02. Review status: criteria provided, single submitter. Criteria: Ambry Variant Classification Scheme 2023. Collection method: clinical testing. Allele origin: germline.

Revvity Omics, Revvity
Classification: Uncertain significance. Last evaluated: 2021-12-20. Review status: criteria provided, single submitter. Criteria: ACMG Guidelines, 2015. Collection method: clinical testing. Allele origin: germline.